The following is an entry in ClinVar:

NM_000303.3(PMM2):c.348-19G>A

Gene: PMM2 (phosphomannomutase 2; plus strand). Cytogenetic location: 16p13.2.
Variant type: single nucleotide variant.
Coding change: c.348-19G>A on transcript NM_000303.3 (MANE Select); 19 bases into the intron before coding-DNA position 348, G replaced by A.
Molecular consequence: intron variant.
Genome position (GRCh38, 1-based): chr16:8,811,060, G>A. VCF-style: chr16-8811060-G-A. GRCh37 (hg19) VCF-style: chr16-8904917-G-A.
Identifiers: ClinVar variation 389180 (VCV000389180.4), dbSNP rs1057523353, ClinGen allele CA16607510.
Genomic context (GRCh38, chr16:8,811,060, plus strand): 5'-AAGATTTTAGGCTGTTTATCTATGTTGCCCAAATGAATAACGTGTTTTTGGAGAAACTCT[G>A]TCACCCTTTCATTCCCAGGGGTACTTTCATTGAATTCCGAAATGGGATGTTAAACGTGTC-3'

ClinVar aggregate classification (germline): Likely benign. Review status: criteria provided, multiple submitters, no conflicts (2 of 4 stars). 2 submissions from 2 submitters: Likely benign (2). Last evaluated 2023-06-04.

Conditions:
PMM2-congenital disorder of glycosylation. Also called: Congenital disorder of glycosylation, type Ia; PMM2-CDG; CDG Ia; JAEKEN SYNDROME; PHOSPHOMANNOMUTASE 2 DEFICIENCY; CARBOHYDRATE-DEFICIENT GLYCOPROTEIN SYNDROME, TYPE Ia. Identifiers: Orphanet 79318, MedGen C0349653, MONDO:0008907, OMIM 212065.

Submissions (2):

Labcorp Genetics (formerly Invitae), Labcorp
Classification: Likely benign for PMM2-congenital disorder of glycosylation. Last evaluated: 2023-06-04. Review status: criteria provided, single submitter. Criteria: Invitae Variant Classification Sherloc (09022015). Collection method: clinical testing. Allele origin: germline.

GeneDx
Classification: Likely benign. Last evaluated: 2016-10-03. Review status: criteria provided, single submitter. Criteria: GeneDx Variant Classification (06012015). Collection method: clinical testing. Allele origin: germline. Affected: yes.
Comment: This variant is considered likely benign or benign based on one or more of the following criteria: it is a conservative change, it occurs at a poorly conserved position in the protein, it is predicted to be benign by multiple in silico algorithms, and/or has population frequency not consistent with disease.